The following is an entry in ClinVar:

ClinVar aggregate classification (germline): Uncertain significance. Review status: criteria provided, multiple submitters, no conflicts (2 of 4 stars). 4 submissions from 4 submitters: Uncertain significance (4). Last evaluated 2023-07-27.

Conditions:
Hereditary cancer-predisposing syndrome. Also called: Tumor predisposition; Hereditary neoplastic syndrome; Neoplastic Syndromes, Hereditary; Hereditary Cancer Syndrome. Identifiers: Orphanet 140162, MedGen C0027672, MeSH D009386, MONDO:0015356.
Microcephaly, normal intelligence and immunodeficiency (NBS). Also called: Nijmegen breakage syndrome; Microcephaly with normal intelligence immunodeficiency and lymphoreticular malignancies; Nonsyndromal microcephaly autosomal recessive with normal intelligence; Seemanova syndrome 2; Ataxia telangiectasia variant V1; SEEMANOVA SYNDROME II. Identifiers: Orphanet 647, MedGen C0398791, MONDO:0009623, OMIM 251260.

Submissions (4):

Ambry Genetics
Classification: Uncertain significance for Hereditary cancer-predisposing syndrome. Last evaluated: 2023-07-27. Review status: criteria provided, single submitter. Criteria: Ambry Variant Classification Scheme 2023. Collection method: clinical testing. Allele origin: germline.
Comment: The p.V153A variant (also known as c.458T>C), located in coding exon 4 of the NBN gene, results from a T to C substitution at nucleotide position 458. The valine at codon 153 is replaced by alanine, an amino acid with similar properties. This alteration has been reported with a carrier frequency of 0.00009 in 11241 female controls and was not observed in 7051 unselected breast cancer patients of Japanese ancestry (Momozawa Y et al. Nat Commun, 2018 10;9:4083). This amino acid position is poorly conserved in available vertebrate species. In addition, this alteration is predicted to be tolerated by in silico analysis. Since supporting evidence is limited at this time, the clinical significance of this alteration remains unclear.

Labcorp Genetics (formerly Invitae), Labcorp
Classification: Uncertain significance for Microcephaly, normal intelligence and immunodeficiency. Last evaluated: 2022-02-18. Review status: criteria provided, single submitter. Criteria: Invitae Variant Classification Sherloc (09022015). Collection method: clinical testing. Allele origin: germline.
Comment: This sequence change replaces valine, which is neutral and non-polar, with alanine, which is neutral and non-polar, at codon 153 of the NBN protein (p.Val153Ala). This variant is not present in population databases (gnomAD no frequency). This missense change has been observed in individual(s) with clinical features of NBN-related conditions (PMID: 30287823). ClinVar contains an entry for this variant (Variation ID: 497429). Algorithms developed to predict the effect of missense changes on protein structure and function output the following: SIFT: "Tolerated"; PolyPhen-2: "Benign"; Align-GVGD: "Class C0". The alanine amino acid residue is found in multiple mammalian species, which suggests that this missense change does not adversely affect protein function. Algorithms developed to predict the effect of sequence changes on RNA splicing suggest that this variant may disrupt the consensus splice site. In summary, the available evidence is currently insufficient to determine the role of this variant in disease. Therefore, it has been classified as a Variant of Uncertain Significance.

Genome-Nilou Lab
Classification: Uncertain significance for Microcephaly, normal intelligence and immunodeficiency. Last evaluated: 2021-11-07. Review status: criteria provided, single submitter. Criteria: ACMG Guidelines, 2015. Collection method: clinical testing. Allele origin: germline. Affected: no.

Eurofins Ntd Llc (ga)
Classification: Uncertain significance. Last evaluated: 2016-10-06. Review status: criteria provided, single submitter. Criteria: EGL Classification Definitions 2015. Collection method: clinical testing. Allele origin: germline. Observed: 1 variant allele, 1 heterozygote.

Literature cited by the submitters: PubMed 30287823 (cited by Ambry Genetics and Labcorp Genetics (formerly Invitae), Labcorp).

NM_002485.5(NBN):c.458T>C (p.Val153Ala)

Gene: NBN (nibrin; minus strand). Cytogenetic location: 8q21.3.
Variant type: single nucleotide variant.
Coding change: c.458T>C on transcript NM_002485.5 (MANE Select); coding-DNA position 458, T replaced by C.
Protein change: p.Val153Ala; replaces valine 153 with alanine.
Molecular consequence: missense variant.
Genome position (GRCh38, 1-based): chr8:89,980,756, A>G on the plus strand (T>C on the coding strand, the complement: NBN is on the minus strand). VCF-style: chr8-89980756-A-G. GRCh37 (hg19) VCF-style: chr8-90992984-A-G.
Other names: c.212T>C, p.Val71Ala (NM_001024688.3); short protein forms V153A, V71A.
Identifiers: ClinVar variation 497429 (VCV000497429.16), dbSNP rs1554567865, ClinGen allele CA371661576.